The following is an entry in ClinVar:

ClinVar aggregate classification (germline): Likely benign. Review status: criteria provided, multiple submitters, no conflicts (2 of 4 stars). 6 submissions from 6 submitters: Likely benign (5). 1 of the submissions does not count toward it. Last evaluated 2026-01-27.

Conditions:
Autosomal recessive distal spinal muscular atrophy 1. Also called: NEURONOPATHY, SEVERE INFANTILE AXONAL, WITH RESPIRATORY FAILURE; SEVERE INFANTILE AXONAL NEUROPATHY WITH RESPIRATORY FAILURE; SPINAL MUSCULAR ATROPHY, DIAPHRAGMATIC; Spinal muscular atrophy with respiratory distress 1; HMN VI; NEURONOPATHY, DISTAL HEREDITARY MOTOR, HARDING TYPE VI. Identifiers: Orphanet 98920, MedGen C1858517, MONDO:0011436, OMIM 604320.
Charcot-Marie-Tooth disease axonal type 2S. Also called: CHARCOT-MARIE-TOOTH NEUROPATHY, TYPE 2S; CHARCOT-MARIE-TOOTH DISEASE, AXONAL, AUTOSOMAL RECESSIVE, TYPE 2S. Identifiers: Orphanet 443073, MedGen C4015349, MONDO:0014511, OMIM 616155.
IGHMBP2-related disorder. Also called: IGHMBP2-related condition; IGHMBP2-related disorders.
Inborn genetic diseases. Identifiers: MedGen C0950123, MeSH D030342.

Allele frequency attached by ClinVar (database versions not stated): gnomAD exomes 0.00015 and 0.00048; ExAC 0.00065; 1000 Genomes Project 0.00160; 1000 Genomes Project 30x 0.00187; gnomAD 0.00207 and 0.00220; TOPMed 0.00215; ESP Exome Variant Server 0.00246.
gnomAD v4.1: 539 of 1,614,016 alleles (0.033%); highest among the groups gnomAD compares: African/African-American, 0.64%; no homozygotes.

Submissions (6):

Labcorp Genetics (formerly Invitae), Labcorp
Classification: Likely benign for Autosomal recessive distal spinal muscular atrophy 1; Charcot-Marie-Tooth disease axonal type 2S. Last evaluated: 2026-01-27. Review status: criteria provided, single submitter. Criteria: Invitae Variant Classification Sherloc (09022015). Collection method: clinical testing. Allele origin: germline.

Mayo Clinic Laboratories, Mayo Clinic
Classification: Likely benign. Last evaluated: 2025-02-18. Review status: criteria provided, single submitter. Criteria: ACMG Guidelines, 2015. Collection method: clinical testing. Allele origin: germline. Observed: 1 variant allele.
Comment: BS1

GeneDx
Classification: Likely benign. Last evaluated: 2021-04-09. Review status: criteria provided, single submitter. Criteria: GeneDx Variant Classification Process June 2021. Collection method: clinical testing. Allele origin: germline. Affected: yes.

Ambry Genetics
Classification: Likely benign for Inborn genetic diseases. Last evaluated: 2019-09-17. Review status: criteria provided, single submitter. Criteria: Ambry Variant Classification Scheme 2023. Collection method: clinical testing. Allele origin: germline.

Breakthrough Genomics
Classification: Likely benign. Review status: criteria provided, single submitter. Criteria: ACMG Guidelines, 2015. Collection method: not provided. Allele origin: germline. Inheritance: Autosomal recessive inheritance. Affected: yes.

PreventionGenetics, part of Exact Sciences
Classification: Benign for IGHMBP2-related condition. Last evaluated: 2021-02-03. Review status: no assertion criteria provided. Collection method: clinical testing. Allele origin: germline. Not counted in ClinVar's aggregate classification.
Comment: This variant is classified as benign based on ACMG/AMP sequence variant interpretation guidelines (Richards et al. 2015 PMID: 25741868, with internal and published modifications).

NM_002180.3(IGHMBP2):c.362C>T (p.Ser121Phe)

Gene: IGHMBP2 (immunoglobulin mu DNA binding protein 2; plus strand). Cytogenetic location: 11q13.3.
Variant type: single nucleotide variant.
Coding change: c.362C>T on transcript NM_002180.3 (MANE Select); coding-DNA position 362, C replaced by T.
Protein change: p.Ser121Phe; replaces serine 121 with phenylalanine.
Molecular consequence: missense variant.
Genome position (GRCh38, 1-based): chr11:68,908,250, C>T. VCF-style: chr11-68908250-C-T. GRCh37 (hg19) VCF-style: chr11-68675718-C-T.
Other names: p.Ser121Phe; short protein forms S121F.
Identifiers: ClinVar variation 386961 (VCV000386961.58), dbSNP rs2228205, ClinGen allele CA6153270.